The following is an entry in ClinVar:

NM_005797.4(MPZL2):c.544C>T (p.Arg182Ter)

Gene: MPZL2 (myelin protein zero like 2; minus strand). Cytogenetic location: 11q23.3.
Variant type: single nucleotide variant.
Coding change: c.544C>T on transcript NM_005797.4 (MANE Select); coding-DNA position 544, C replaced by T.
Protein change: p.Arg182Ter; replaces arginine 182 with a stop codon.
Molecular consequence: nonsense.
Genome position (GRCh38, 1-based): chr11:118,260,094, G>A on the plus strand (C>T on the coding strand, the complement: MPZL2 is on the minus strand). VCF-style: chr11-118260094-G-A. GRCh37 (hg19) VCF-style: chr11-118130809-G-A.
Other names: c.544C>T (NM_005797.3); c.544C>T, p.Arg182Ter (NM_144765.3); short protein forms R182*.
Identifiers: ClinVar variation 1324734 (VCV001324734.9), dbSNP rs200462584, ClinGen allele CA6301327.
Genomic context (GRCh38, chr11:118,260,094, plus strand): 5'-CCAGAACTGCCCAGCCTTACGATTTTATCTCCACCACTTTATGAGCTCTTTCGGCCCATC[G>A]CTTTTTCCGGTAATGCTGGAAGAGGACCACTACAATTACTATTATGATCATCAGTGCACA-3'

ClinVar aggregate classification (germline): Conflicting classifications of pathogenicity. Review status: criteria provided, conflicting classifications (1 of 4 stars). 6 submissions from 6 submitters: Likely pathogenic (5); Uncertain significance (1). Last evaluated 2026-05-22.

Conditions:
Hearing loss, autosomal recessive 111. Also called: DEAFNESS, AUTOSOMAL RECESSIVE 111. Identifiers: MedGen C4748374, MONDO:0029142, OMIM 618145.
MPZL2-related disorder. Also called: MPZL2-related condition.

Allele frequency attached by ClinVar (database versions not stated): ESP Exome Variant Server 0.00008; gnomAD exomes 0.00011 and 0.00016; ExAC 0.00015; gnomAD 0.00022 and 0.00024; TOPMed 0.00023.

Submissions (6):

PreventionGenetics, part of Exact Sciences
Classification: Likely pathogenic for MPZL2-related condition. Last evaluated: 2026-05-22. Review status: criteria provided, single submitter. Criteria: ACMG Guidelines, 2015. Collection method: clinical testing. Allele origin: germline.
Comment: The MPZL2 c.544C>T variant is predicted to result in premature protein termination (p.Arg182*). This variant was reported in the heterozygous state in the absence of second variant in an individual with hearing loss (Wesdorp et al. 2018. PubMed ID: 29961571). This variant is reported in 0.039% of alleles in individuals of South Asian descent in gnomAD. Nonsense variants in MPZL2 are expected to be pathogenic. This variant is interpreted as likely pathogenic.

First Genomix Gene Laboratory, Genetic Diagnostics Department
Classification: Likely pathogenic for Hearing loss, autosomal recessive 111. Last evaluated: 2025-09-04. Review status: criteria provided, single submitter. Criteria: ACMG Guidelines, 2015. Collection method: clinical testing. Allele origin: germline. Inheritance: Autosomal recessive inheritance. Affected: no. Observed: 1 variant allele.

Department of Pathology and Laboratory Medicine, Sinai Health System
Classification: Likely pathogenic for Hearing loss, autosomal recessive 111. Last evaluated: 2022-11-11. Review status: criteria provided, single submitter. Criteria: ACMG Guidelines, 2015. Collection method: research. Allele origin: germline.

Blueprint Genetics
Classification: Uncertain significance. Last evaluated: 2022-06-02. Review status: criteria provided, single submitter. Criteria: ACMG Guidelines, 2015. Collection method: clinical testing. Allele origin: germline.

Revvity Omics, Revvity
Classification: Likely pathogenic for Hearing loss, autosomal recessive 111. Last evaluated: 2021-12-07. Review status: criteria provided, single submitter. Criteria: ACMG Guidelines, 2015. Collection method: clinical testing. Allele origin: germline.

Genetics and Genomic Medicine Centre, NeuroGen Healthcare, NeuroGen Healthcare
Classification: Likely pathogenic for Hearing loss, autosomal recessive 111. Last evaluated: 2019-11-27. Review status: criteria provided, single submitter. Criteria: Submitter's publication. Collection method: clinical testing. Allele origin: unknown. Affected: no.